The following is an entry in ClinVar:

NM_001018115.3(FANCD2):c.1373A>G (p.Tyr458Cys)

Genes: FANCD2 (FA complementation group D2; plus strand), LOC107303338 (3p25 FANCD2 Alu-mediated recombination region; plus strand). Cytogenetic location: 3p25.3.
Variant type: single nucleotide variant.
Coding change: c.1373A>G on transcript NM_001018115.3 (MANE Select); coding-DNA position 1373, A replaced by G.
Protein change: p.Tyr458Cys; replaces tyrosine 458 with cysteine.
Molecular consequence: missense variant.
Genome position (GRCh38, 1-based): chr3:10,048,011, A>G. VCF-style: chr3-10048011-A-G. GRCh37 (hg19) VCF-style: chr3-10089695-A-G.
Other names: c.1373A>G, p.Tyr458Cys (NM_001319984.2, NM_001374253.1, NM_001374254.1 and 1 more transcripts); short protein forms Y458C.
Identifiers: ClinVar variation 999583 (VCV000999583.9), dbSNP rs535519170, ClinGen allele CA2249623.
Genomic context (GRCh38, chr3:10,048,011, plus strand): 5'-TGGCTCAGAGTTTGCTTCACTCTCTAGACCAGAGTATAATTTCATTTGGCAGTCTCCTAT[A>G]CAAATATGCATTTAAGTTTTTTGACACGTACTGCCAGCAGGTATGTTGAAACATTTATTT-3'
Protein context (NP_001018125.1, residues 448-468): QSIISFGSLL[Tyr458Cys]KYAFKFFDTY

ClinVar aggregate classification (germline): Uncertain significance (1 of 4 stars; one submission).

Conditions:
Fanconi anemia (FA). Also called: Fanconi's anemia. Identifiers: Orphanet 84, MedGen C0015625, MeSH D005199, MONDO:0019391.

Allele frequency attached by ClinVar (database versions not stated): gnomAD 0.00002; gnomAD exomes 0.00003 and 0.00005; ExAC 0.00007; 1000 Genomes Project 0.00060; 1000 Genomes Project 30x 0.00062.

Submission:

Labcorp Genetics (formerly Invitae), Labcorp
Classification: Uncertain significance for Fanconi anemia. Last evaluated: 2020-02-14. Review status: criteria provided, single submitter. Criteria: Invitae Variant Classification Sherloc (09022015). Collection method: clinical testing. Allele origin: germline.
Comment: This variant is present in population databases (rs535519170, ExAC 0.04%). This sequence change replaces tyrosine with cysteine at codon 458 of the FANCD2 protein (p.Tyr458Cys). The tyrosine residue is moderately conserved and there is a large physicochemical difference between tyrosine and cysteine. This variant has not been reported in the literature in individuals with FANCD2-related conditions. Algorithms developed to predict the effect of missense changes on protein structure and function are either unavailable or do not agree on the potential impact of this missense change (SIFT: "Tolerated"; PolyPhen-2: "Possibly Damaging"; Align-GVGD: "Class C0"). In summary, the available evidence is currently insufficient to determine the role of this variant in disease. Therefore, it has been classified as a Variant of Uncertain Significance.